The following is an entry in ClinVar:

ClinVar aggregate classification (germline): Pathogenic (1 of 4 stars; one submission).

Conditions:
Propionic acidemia (PROP). Also called: GLYCINEMIA, KETOTIC; HYPERGLYCINEMIA WITH KETOACIDOSIS AND LEUKOPENIA; KETOTIC HYPERGLYCINEMIA. Identifiers: Orphanet 35, MedGen C0268579, MONDO:0011628, OMIM 606054, HP:0003571.

gnomAD v4.1: 2 of 1,614,020 alleles (0.00012%); highest among the groups gnomAD compares: Non-Finnish European, 0.00017%; no homozygotes.

Submission:

Labcorp Genetics (formerly Invitae), Labcorp
Classification: Pathogenic for Propionic acidemia. Last evaluated: 2026-01-19. Review status: criteria provided, single submitter. Criteria: Invitae Variant Classification Sherloc (09022015). Collection method: clinical testing. Allele origin: germline.
Comment: This sequence change replaces isoleucine, which is neutral and non-polar, with phenylalanine, which is neutral and non-polar, at codon 408 of the PCCB protein (p.Ile408Phe). This variant is present in population databases (no rsID available, gnomAD 0.007%). This missense change has been observed in individual(s) with clinical features of propionic acidemia (internal data). In at least one individual the data is consistent with being in trans (on the opposite chromosome) from a pathogenic variant. Invitae Evidence Modeling of protein sequence and biophysical properties (such as structural, functional, and spatial information, amino acid conservation, physicochemical variation, residue mobility, and thermodynamic stability) indicates that this missense variant is expected to disrupt PCCB protein function with a positive predictive value of 95%. For these reasons, this variant has been classified as Pathogenic.

NM_000532.5(PCCB):c.1222A>T (p.Ile408Phe)

Gene: PCCB (propionyl-CoA carboxylase subunit beta; plus strand). Cytogenetic location: 3q22.3.
Variant type: single nucleotide variant.
Coding change: c.1222A>T on transcript NM_000532.5 (MANE Select); coding-DNA position 1222, A replaced by T.
Protein change: p.Ile408Phe; replaces isoleucine 408 with phenylalanine.
Molecular consequence: missense variant.
Genome position (GRCh38, 1-based): chr3:136,327,178, A>T. VCF-style: chr3-136327178-A-T. GRCh37 (hg19) VCF-style: chr3-136046020-A-T.
Other names: c.1282A>T, p.Ile428Phe (NM_001178014.2); short protein forms I408F, I428F.
Identifiers: ClinVar variation 4770512 (VCV004770512.1).
Genomic context (GRCh38, chr3:136,327,178, plus strand): 5'-GACTTGTGGGTATCTAGTAACTCTTCCTCATGTCTAGGCACAGCACAGGAATACGGGGGC[A>T]TCATCCGGCATGGTGCCAAGCTTCTCTACGCATTTGCTGAGGCAACTGTACCCAAAGTCA-3'
Protein context (NP_000523.2, residues 398-418): LPGTAQEYGG[Ile408Phe]IRHGAKLLYA